The following is an entry in ClinVar:

ClinVar aggregate classification (germline): Benign (1 of 4 stars; one submission).

Conditions:
Hereditary diffuse gastric adenocarcinoma (HDGC). Also called: DIFFUSE GASTRIC AND LOBULAR BREAST CANCER SYNDROME. Identifiers: Orphanet 26106, MedGen C1708349, MONDO:0007648, OMIM 137215.

gnomAD v4.1: 1 of 1,614,106 alleles (0.000062%); highest among the groups gnomAD compares: Non-Finnish European, 0.000085%; no homozygotes.

Submission:

Myriad Genetics, Inc.
Classification: Benign for Hereditary diffuse gastric adenocarcinoma. Last evaluated: 2024-09-18. Review status: criteria provided, single submitter. Criteria: Myriad Autosomal Dominant, Autosomal Recessive and X-Linked Classification Criteria (2023). Collection method: clinical testing. Allele origin: unknown.
Comment: This variant is considered benign. This variant is a silent/synonymous amino acid change and it is not expected to impact splicing.

NM_004360.5(CDH1):c.1119G>C (p.Pro373=)

Gene: CDH1 (cadherin 1; plus strand). Cytogenetic location: 16q22.1.
Variant type: single nucleotide variant.
Coding change: c.1119G>C on transcript NM_004360.5 (MANE Select); coding-DNA position 1119, G replaced by C.
Protein change: p.Pro373=; no amino-acid change (proline 373 retained).
Molecular consequence: synonymous variant. On other transcripts: 5 prime UTR variant (2).
Genome position (GRCh38, 1-based): chr16:68,812,245, G>C. VCF-style: chr16-68812245-G-C. GRCh37 (hg19) VCF-style: chr16-68846148-G-C.
Other names: c.1119G>C, p.Pro373= (NM_001317184.2); c.-497G>C (NM_001317185.2); c.-701G>C (NM_001317186.2).
Identifiers: ClinVar variation 3379288 (VCV003379288.1).
Genomic context (GRCh38, chr16:68,812,245, plus strand): 5'-GGGGTTAAGCACAACAGCAACAGCTGTGATCACAGTCACTGACACCAACGATAATCCTCC[G>C]ATCTTCAATCCCACCACGGTAATTCTATAACTCCTTAGAGGGTTTCCAAAGAAAGGTCTT-3'
Protein context (NP_004351.1, residues 363-383): ITVTDTNDNP[Pro373=]IFNPTTYKGQ